The following is an entry in ClinVar:

NM_005359.6(SMAD4):c.1347G>A (p.Gln449=)

Gene: SMAD4 (SMAD family member 4; plus strand). Cytogenetic location: 18q21.2.
Variant type: single nucleotide variant.
Coding change: c.1347G>A on transcript NM_005359.6 (MANE Select); coding-DNA position 1347, G replaced by A.
Protein change: p.Gln449=; no amino-acid change (glutamine 449 retained).
Molecular consequence: synonymous variant.
Genome position (GRCh38, 1-based): chr18:51,076,676, G>A. VCF-style: chr18-51076676-G-A. GRCh37 (hg19) VCF-style: chr18-48603046-G-A.
Identifiers: ClinVar variation 922924 (VCV000922924.14), dbSNP rs1910478522, ClinGen allele CA503873829.

ClinVar aggregate classification (germline): Benign/Likely benign. Review status: criteria provided, multiple submitters, no conflicts (2 of 4 stars). 5 submissions from 5 submitters: Benign (1); Likely benign (4). Last evaluated 2025-03-21.

Conditions:
Juvenile polyposis/hereditary hemorrhagic telangiectasia syndrome (JPHT). Also called: TELANGIECTASIA, HEREDITARY HEMORRHAGIC, WITH JUVENILE POLYPOSIS COLI; Juvenile Polyposis Syndrome / Hereditary Hemorrhagic Telangiectasia (JPS/HHT); JP/HHT SYNDROME; JUVENILE POLYPOSIS WITH HEREDITARY HEMORRHAGIC TELANGIECTASIA; POLYPOSIS, GENERALIZED JUVENILE, WITH PULMONARY ARTERIOVENOUS MALFORMATION. Identifiers: Orphanet 2929, MedGen C1832942, MONDO:0008278, OMIM 175050.
Familial thoracic aortic aneurysm and aortic dissection (TAAD). Also called: Thoracic aortic aneurysms and dissections. Identifiers: Orphanet 91387, MedGen C4707243, MONDO:0019625.
Hereditary cancer-predisposing syndrome. Also called: Tumor predisposition; Neoplastic Syndromes, Hereditary; Hereditary neoplastic syndrome; Hereditary Cancer Syndrome. Identifiers: Orphanet 140162, MedGen C0027672, MeSH D009386, MONDO:0015356.
Juvenile polyposis syndrome (JPS). Identifiers: Orphanet 2929, MedGen C0345893, MONDO:0017380, OMIM 174900.

gnomAD v4.1: 7 of 1,613,860 alleles (0.00043%); highest among the groups gnomAD compares: Non-Finnish European, 0.00059%; no homozygotes.

Submissions (5):

Myriad Genetics, Inc.
Classification: Benign for Juvenile polyposis/hereditary hemorrhagic telangiectasia syndrome. Last evaluated: 2025-03-21. Review status: criteria provided, single submitter. Criteria: Myriad Autosomal Dominant, Autosomal Recessive and X-Linked Classification Criteria (2023). Collection method: clinical testing. Allele origin: unknown.
Comment: This variant is considered benign. This variant is a silent/synonymous amino acid change and it is not expected to impact splicing.

Blueprint Genetics
Classification: Likely benign. Last evaluated: 2024-02-21. Review status: criteria provided, single submitter. Criteria: ACMG Guidelines, 2015. Collection method: clinical testing. Allele origin: germline.

Labcorp Genetics (formerly Invitae), Labcorp
Classification: Likely benign for Juvenile polyposis syndrome. Last evaluated: 2023-08-10. Review status: criteria provided, single submitter. Criteria: Invitae Variant Classification Sherloc (09022015). Collection method: clinical testing. Allele origin: germline.

Ambry Genetics
Classification: Likely benign for Hereditary cancer-predisposing syndrome; Familial thoracic aortic aneurysm and aortic dissection. Last evaluated: 2020-08-18. Review status: criteria provided, single submitter. Criteria: Ambry Variant Classification Scheme 2023. Collection method: clinical testing. Allele origin: germline.

Color Diagnostics, LLC DBA Color Health
Classification: Likely benign for Hereditary cancer-predisposing syndrome. Last evaluated: 2018-12-14. Review status: criteria provided, single submitter. Criteria: ACMG Guidelines, 2015. Collection method: clinical testing. Allele origin: germline.